The following is an entry in ClinVar:

NM_000038.6(APC):c.1743+2374A>C

Gene: APC (APC regulator of WNT signaling pathway; plus strand). Cytogenetic location: 5q22.2.
Variant type: single nucleotide variant.
Coding change: c.1743+2374A>C on transcript NM_000038.6 (MANE Select); 2374 bases into the intron after coding-DNA position 1743, A replaced by C.
Molecular consequence: intron variant.
Genome position (GRCh38, 1-based): chr5:112,831,346, A>C. VCF-style: chr5-112831346-A-C. GRCh37 (hg19) VCF-style: chr5-112167043-A-C.
Other names: c.1743+2374A>C (NM_001354895.2, NM_001127510.3); c.1773+2374A>C (NM_001354897.2); c.1470+2374A>C (NM_001354902.2); c.1689+2374A>C (NM_001127511.3); c.1668+2374A>C (NM_001354898.2); c.1365+2374A>C (NM_001354904.2); c.894+2374A>C (NM_001354906.2); c.1797+2374A>C (NM_001354896.2); and 5 more.
Identifiers: ClinVar variation 82600 (VCV000082600.2), dbSNP rs79779990, ClinGen allele CA005622.

ClinVar aggregate classification (germline): other (0 of 4 stars; one submission).

Conditions:
Familial colorectal cancer. Identifiers: MedGen CN280943, MONDO:0023113. Disease mechanism: loss of function.

Submission:

Systems Biology Platform Zhejiang California International NanoSystems Institute
Classification: other for Familial colorectal cancer. Review status: no assertion criteria provided. Collection method: not provided. Allele origin: unknown.
ClinVar note: Converted during submission from cancer to other.